The following is an entry in ClinVar:

NM_182920.2(ADAMTS9):c.3354+8G>T

Gene: ADAMTS9 (ADAM metallopeptidase with thrombospondin type 1 motif 9; minus strand). Cytogenetic location: 3p14.1.
Variant type: single nucleotide variant.
Coding change: c.3354+8G>T on transcript NM_182920.2 (MANE Select); 8 bases into the intron after coding-DNA position 3354, G replaced by T.
Molecular consequence: intron variant.
Genome position (GRCh38, 1-based): chr3:64,613,337, C>A on the plus strand (G>T on the coding strand, the complement: ADAMTS9 is on the minus strand). VCF-style: chr3-64613337-C-A. GRCh37 (hg19) VCF-style: chr3-64599013-C-A.
Other names: c.3270+8G>T (NM_001318781.2).
Identifiers: ClinVar variation 775882 (VCV000775882.10), dbSNP rs73832347, ClinGen allele CA2480888.

ClinVar aggregate classification (germline): Benign. Review status: criteria provided, single submitter (1 of 4 stars). 2 submissions from 2 submitters: Benign (1). 1 of the submissions does not count toward it. Last evaluated 2026-01-25.

Conditions:
ADAMTS9-related disorder. Also called: ADAMTS9-related condition.

Allele frequency attached by ClinVar (database versions not stated): gnomAD exomes 0.00150 and 0.00366; ExAC 0.00447; ESP Exome Variant Server 0.01392; gnomAD 0.01425 and 0.01523; 1000 Genomes Project 0.01478; 1000 Genomes Project 30x 0.01562; TOPMed 0.01597.

Submissions (2):

Labcorp Genetics (formerly Invitae), Labcorp
Classification: Benign. Last evaluated: 2026-01-25. Review status: criteria provided, single submitter. Criteria: Invitae Variant Classification Sherloc (09022015). Collection method: clinical testing. Allele origin: germline.

PreventionGenetics, part of Exact Sciences
Classification: Benign for ADAMTS9-related condition. Last evaluated: 2019-06-07. Review status: no assertion criteria provided. Collection method: clinical testing. Allele origin: germline. Not counted in ClinVar's aggregate classification.
Comment: This variant is classified as benign based on ACMG/AMP sequence variant interpretation guidelines (Richards et al. 2015 PMID: 25741868, with internal and published modifications).